The following is an entry in ClinVar:

NM_177438.3(DICER1):c.3530G>A (p.Gly1177Asp)

Gene: DICER1 (dicer 1, ribonuclease III; minus strand). Cytogenetic location: 14q32.13.
Variant type: single nucleotide variant.
Coding change: c.3530G>A on transcript NM_177438.3 (MANE Select); coding-DNA position 3530, G replaced by A.
Protein change: p.Gly1177Asp; replaces glycine 1177 with aspartic acid.
Molecular consequence: missense variant. On other transcripts: non-coding transcript variant (6).
Genome position (GRCh38, 1-based): chr14:95,103,866, C>T on the plus strand (G>A on the coding strand, the complement: DICER1 is on the minus strand). VCF-style: chr14-95103866-C-T. GRCh37 (hg19) VCF-style: chr14-95570203-C-T.
Other names: c.3530G>A, p.Gly1177Asp (NM_001195573.1, NM_001271282.3, NM_001291628.2 and 13 more transcripts); c.3248G>A, p.Gly1083Asp (NM_001395686.1); c.3125G>A, p.Gly1042Asp (NM_001395687.1, NM_001395688.1, NM_001395689.1 and 2 more transcripts); c.2963G>A, p.Gly988Asp (NM_001395691.1); c.1847G>A, p.Gly616Asp (NM_001395697.1); short protein forms G1042D, G1177D, G616D, G988D, G1083D.
Identifiers: ClinVar variation 1732364 (VCV001732364.4), dbSNP rs1160985143, ClinGen allele CA390875050.

ClinVar aggregate classification (germline): Uncertain significance. Review status: criteria provided, multiple submitters, no conflicts (2 of 4 stars). 2 submissions from 2 submitters: Uncertain significance (2). Last evaluated 2025-04-08.

Conditions:
Hereditary cancer-predisposing syndrome. Also called: Neoplastic Syndromes, Hereditary; Tumor predisposition; Hereditary Cancer Syndrome; Hereditary neoplastic syndrome. Identifiers: Orphanet 140162, MedGen C0027672, MeSH D009386, MONDO:0015356.
DICER1-related tumor predisposition. Also called: DICER1 syndrome; DICER1-related pleuropulmonary blastoma cancer predisposition syndrome. Identifiers: Orphanet 284343, MedGen C3839822, MONDO:0100216.

Submissions (2):

Labcorp Genetics (formerly Invitae), Labcorp
Classification: Uncertain significance for DICER1-related tumor predisposition. Last evaluated: 2025-04-08. Review status: criteria provided, single submitter. Criteria: Invitae Variant Classification Sherloc (09022015). Collection method: clinical testing. Allele origin: germline.
Comment: This sequence change replaces glycine, which is neutral and non-polar, with aspartic acid, which is acidic and polar, at codon 1177 of the DICER1 protein (p.Gly1177Asp). This variant is not present in population databases (gnomAD no frequency). This variant has not been reported in the literature in individuals affected with DICER1-related conditions. ClinVar contains an entry for this variant (Variation ID: 1732364). Invitae Evidence Modeling of protein sequence and biophysical properties (such as structural, functional, and spatial information, amino acid conservation, physicochemical variation, residue mobility, and thermodynamic stability) indicates that this missense variant is not expected to disrupt DICER1 protein function with a negative predictive value of 95%. In summary, the available evidence is currently insufficient to determine the role of this variant in disease. Therefore, it has been classified as a Variant of Uncertain Significance.

Ambry Genetics
Classification: Uncertain significance for Hereditary cancer-predisposing syndrome. Last evaluated: 2022-01-27. Review status: criteria provided, single submitter. Criteria: Ambry Variant Classification Scheme 2023. Collection method: clinical testing. Allele origin: germline.
Comment: The p.G1177D variant (also known as c.3530G>A), located in coding exon 20 of the DICER1 gene, results from a G to A substitution at nucleotide position 3530. The glycine at codon 1177 is replaced by aspartic acid, an amino acid with similar properties. This amino acid position is conserved. In addition, this alteration is predicted to be deleterious by in silico analysis. Since supporting evidence is limited at this time, the clinical significance of this alteration remains unclear.